The following is an entry in ClinVar:

NM_001267550.2(TTN):c.29633G>A (p.Arg9878Lys)

Gene: TTN (titin; minus strand). Cytogenetic location: 2q31.2.
Variant type: single nucleotide variant.
Coding change: c.29633G>A on transcript NM_001267550.2 (MANE Select); coding-DNA position 29633, G replaced by A.
Protein change: p.Arg9878Lys; replaces arginine 9878 with lysine.
Molecular consequence: missense variant. On other transcripts: intron variant (3).
Genome position (GRCh38, 1-based): chr2:178,704,938, C>T on the plus strand (G>A on the coding strand, the complement: TTN is on the minus strand). VCF-style: chr2-178704938-C-T. GRCh37 (hg19) VCF-style: chr2-179569665-C-T.
Other names: c.28682G>A, p.Arg9561Lys (NM_001256850.1); c.25901G>A, p.Arg8634Lys (NM_133378.4); c.13282+33144G>A (NM_003319.4); c.13858+33144G>A (NM_133437.4); c.13657+33144G>A (NM_133432.3); short protein forms R9561K, R8634K, R9878K.
Identifiers: ClinVar variation 4984320 (VCV004984320.1).

ClinVar aggregate classification (germline): Uncertain significance (1 of 4 stars; one submission).

Conditions:
TTN-related disorder. Also called: TTN-related disorders; TTN-related condition; TTN-related disease.

gnomAD v4.1: 3 of 1,612,858 alleles (0.00019%); highest among the groups gnomAD compares: Admixed American, 0.005%; no homozygotes.

Submission:

PreventionGenetics, part of Exact Sciences
Classification: Uncertain significance for TTN-related condition. Last evaluated: 2025-10-10. Review status: criteria provided, single submitter. Criteria: ACMG Guidelines, 2015. Collection method: clinical testing. Allele origin: germline.
Comment: The TTN c.29633G>A variant is predicted to result in the amino acid substitution p.Arg9878Lys. To our knowledge, this variant has not been reported in the literature. This variant is reported in 0.0087% of alleles in individuals of Latino descent in gnomAD. At this time, the clinical significance of this variant is uncertain due to the absence of conclusive functional and genetic evidence.